The following is an entry in ClinVar:

ClinVar aggregate classification (germline): Pathogenic/Likely pathogenic. Review status: criteria provided, multiple submitters, no conflicts (2 of 4 stars). 8 submissions from 7 submitters: Pathogenic (6); Likely pathogenic (1). 1 of the submissions does not count toward it. Last evaluated 2025-01-28.

Conditions:
Hereditary cancer-predisposing syndrome. Also called: Neoplastic Syndromes, Hereditary; Hereditary Cancer Syndrome; Hereditary neoplastic syndrome; Tumor predisposition. Identifiers: Orphanet 140162, MedGen C0027672, MeSH D009386, MONDO:0015356.
Mismatch repair cancer syndrome 4. Identifiers: MedGen C5436817, MONDO:0030843, OMIM 619101.
Lynch syndrome. Identifiers: Orphanet 144, MedGen C4552100, MONDO:0005835. Disease mechanism: loss of function.
Hereditary nonpolyposis colorectal neoplasms. Identifiers: MedGen C0009405, MeSH D003123.
Lynch syndrome 4 (LYNCH4). Also called: Colorectal cancer, hereditary nonpolyposis, type 4; Hereditary non-polyposis colorectal cancer, type 4. Identifiers: Orphanet 144, MedGen C1838333, MONDO:0013699, OMIM 614337. Disease mechanism: loss of function.
Breast-ovarian cancer, familial, susceptibility to, 2 (BROVCA2). Also called: BRCA2 Hereditary Breast and Ovarian Cancer. Identifiers: Orphanet 145, MedGen C2675520, MONDO:0012933, OMIM 612555. Disease mechanism: loss of function.
Malignant tumor of breast. Also called: Cancer breast; Malignant breast neoplasm. Identifiers: MedGen C0006142, MONDO:0007254. Disease mechanism: loss of function.

Submissions (8):

Labcorp Genetics (formerly Invitae), Labcorp
Classification: Pathogenic for Hereditary nonpolyposis colorectal neoplasms. Last evaluated: 2025-01-28. Review status: criteria provided, single submitter. Criteria: Invitae Variant Classification Sherloc (09022015). Collection method: clinical testing. Allele origin: germline.
Comment: This sequence change creates a premature translational stop signal (p.Gln374Serfs*10) in the PMS2 gene. It is expected to result in an absent or disrupted protein product. Loss-of-function variants in PMS2 are known to be pathogenic (PMID: 21376568, 24362816). This variant is present in population databases (rs757679199, gnomAD 0.002%). This variant has not been reported in the literature in individuals affected with PMS2-related conditions. ClinVar contains an entry for this variant (Variation ID: 642485). For these reasons, this variant has been classified as Pathogenic.

Clinical Genomics Laboratory, Washington University in St. Louis
Classification: Pathogenic for Breast-ovarian cancer, familial, susceptibility to, 2. Last evaluated: 2024-04-09. Review status: criteria provided, single submitter. Criteria: ACMG Guidelines, 2015. Collection method: clinical testing. Allele origin: germline.
Comment: The PMS2 c.1119_1122del (p.Gln374Serfs*10) variant has been reported in at least one individual with a clinical diagnosis of Lynch syndrome and an immunohistochemistry consistent with loss of PMS2 (Lerner-Ellis J et al., PMID: 32885271). This variant has been reported in the ClinVar database as a germline pathogenic variant by four submitters. This variant is only observed on 2/1460,618 alleles in the general population (gnomAD v.2.1.1), indicating it is not a common variant. This variant causes a frameshift by deleting four nucleotides, leading to a premature termination codon, which is predicted to lead to nonsense mediated decay. Based on available information and the ACMG/AMP guidelines for variant interpretation (Richards S et al., PMID: 25741868), this variant is classified as pathogenic.

Ambry Genetics
Classification: Pathogenic for Hereditary cancer-predisposing syndrome. Last evaluated: 2023-10-11. Review status: criteria provided, single submitter. Criteria: Ambry Variant Classification Scheme 2023. Collection method: clinical testing. Allele origin: germline.
Comment: The c.1119_1122delTCAG pathogenic mutation, located in coding exon 10 of the PMS2 gene, results from a deletion of 4 nucleotides at nucleotide positions 1119 to 1122, causing a translational frameshift with a predicted alternate stop codon (p.Q374Sfs*10). This variant is considered to be rare based on population cohorts in the Genome Aggregation Database (gnomAD). This alteration is expected to result in loss of function by premature protein truncation or nonsense-mediated mRNA decay. As such, this alteration is interpreted as a disease-causing mutation.

Myriad Genetics, Inc.
Classification: Pathogenic for Lynch syndrome 4. Last evaluated: 2023-09-20. Review status: criteria provided, single submitter. Criteria: Myriad Autosomal Dominant, Autosomal Recessive and X-Linked Classification Criteria (2023). Collection method: clinical testing. Allele origin: unknown.
Comment: This variant is considered pathogenic. This variant creates a frameshift predicted to result in premature protein truncation.

GeneDx
Classification: Pathogenic. Last evaluated: 2022-07-07. Review status: criteria provided, single submitter. Criteria: GeneDx Variant Classification Process June 2021. Collection method: clinical testing. Allele origin: germline. Affected: yes.
Comment: Observed in an individual with PMS2-related cancers (Lerner-Ellis 2021); Frameshift variant predicted to result in protein truncation or nonsense mediated decay in a gene for which loss of function is a known mechanism of disease; Not observed at significant frequency in large population cohorts (gnomAD); Truncating variants in this gene are considered pathogenic by a well-established clinical consortium and/or database; This variant is associated with the following publications: (PMID: 32885271)

Laboratory for Molecular Medicine, Mass General Brigham Personalized Medicine
Classification: Likely pathogenic for Lynch syndrome. Last evaluated: 2020-05-13. Review status: criteria provided, single submitter. Criteria: ACMG Guidelines, 2015. Collection method: clinical testing. Allele origin: germline.
Comment: The p.Gln374SerfsX10 variant in PMS2 has not been previously reported in individuals with Lynch syndrome, but was identified in 0.002% (2/113726) of European chromosomes by gnomAD. It has also been reported in ClinVar (Variation ID 642485). This variant is predicted to cause a frameshift, which alters the protein’s amino acid sequence beginning at position 374 and leads to a premature termination codon 10 amino acids downstream. This alteration is then predicted to lead to a truncated or absent protein. Loss of function of the PMS2 gene is an established disease mechanism in autosomal dominant Lynch syndrome. In summary, although additional studies are required to fully establish its clinical significance, this variant meets criteria to be classified as likely pathogenic for autosomal dominant Lynch syndrome. ACMG/AMP Criteria applied: PVS1, PM2.

Department of Pathology and Laboratory Medicine, Sinai Health System
Classification: Pathogenic for Mismatch repair cancer syndrome 4. Last evaluated: 2018-09-25. Review status: criteria provided, single submitter. Criteria: ACMG Guidelines, 2015. Collection method: clinical testing. Allele origin: germline. Affected: yes.

Department of Pathology and Laboratory Medicine, Sinai Health System
Classification: Pathogenic for Malignant tumor of breast. Review status: no assertion criteria provided. Collection method: clinical testing. Allele origin: unknown. Affected: yes. Study: The Canadian Open Genetics Repository (COGR). Not counted in ClinVar's aggregate classification.
Comment: The PMS2 p.Gln374Serfs*10 variant was not identified in the literature nor was it identified in ClinVar, GeneInsight-COGR, Cosmic, Zhejiang University Database, Mismatch Repair Genes Variant Database, or Insight Hereditary Tumors Database. The variant was identified in dbSNP (ID: rs757679199). The variant was also not identified in the following control databases: the Exome Aggregation Consortium (August 8th 2016) or the Genome Aggregation Database (Feb 27, 2017). The c.1119_1122del variant is predicted to cause a frameshift, which alters the protein's amino acid sequence beginning at codon 374 and leads to a premature stop codon at position 383. This alteration is then predicted to result in a truncated or absent protein and loss of function. Loss of function variants of the PMS2 gene are an established mechanism of disease in Lynch syndrome and is the type of variant expected to cause the disorder. In summary, based on the above information, this variant meets our laboratoryâ€šÃ„Ã´s criteria to be classified as pathogenic.

Literature cited by the submitters: PubMed 21376568 (cited by Labcorp Genetics (formerly Invitae), Labcorp); PubMed 24362816 (cited by Labcorp Genetics (formerly Invitae), Labcorp).

NM_000535.7(PMS2):c.1119_1122del (p.Gln374fs)

Gene: PMS2 (PMS1 homolog 2, mismatch repair system component; minus strand). Cytogenetic location: 7p22.1.
Variant type: Microsatellite.
Coding change: c.1119_1122del on transcript NM_000535.7 (MANE Select); coding-DNA positions 1119 to 1122, 4 bases deleted (TCAG; older notation c.1119_1122delTCAG).
Protein change: p.Gln374fs; shifts the reading frame from glutamine 374.
Molecular consequence: frameshift variant. On other transcripts: non-coding transcript variant (1), intron variant (2).
Genome position (GRCh38, 1-based): chr7:5,989,822-5,989,825, CTGA deleted on the plus strand (TCAG on the coding strand, the reverse complement: PMS2 is on the minus strand); deleting any 4 consecutive bases within chr7:5,989,822-5,989,830 gives the same sequence; the c. name uses the placement nearest the transcript's 3' end. VCF-style (leftmost placement, unchanged base first): chr7-5989821-GCTGA-G. GRCh37 (hg19) VCF-style: chr7-6029452-GCTGA-G.
Other names: c.714_717del, p.Gln239fs (NM_001322003.2, NM_001322004.2, NM_001322005.2 and 1 more transcripts); c.810_813del, p.Gln271fs (NM_001322015.2); c.583+2148_583+2151del (NM_001322010.2); c.988+2148_988+2151del (NM_001322006.2); c.1119_1122del (NM_000535.5); c.801_804del, p.Gln268fs (NM_001322007.2, NM_001322008.2); c.186_189del, p.Gln63fs (NM_001322011.2, NM_001322012.2); c.546_549del, p.Gln183fs (NM_001322013.2); and 2 more; short protein forms Q268fs, Q374fs, Q239fs, Q271fs, Q183fs, Q63fs.
Identifiers: ClinVar variation 642485 (VCV000642485.14), dbSNP rs757679199, ClinGen allele CA042005.